The following is an entry in ClinVar:

ClinVar aggregate classification (germline): Pathogenic/Likely pathogenic. Review status: criteria provided, multiple submitters, no conflicts (2 of 4 stars). 2 submissions from 2 submitters: Pathogenic (1); Likely pathogenic (1). Last evaluated 2025-09-24.

Conditions:
Noonan syndrome 10 (NS10). Identifiers: Orphanet 648, MedGen C4225280, MONDO:0014693, OMIM 616564.
Noonan syndrome 2 (NS2). Identifiers: Orphanet 648, MedGen C1854469, MONDO:0011531, OMIM 605275.
LZTR1-related schwannomatosis. Also called: Schwannomatosis 2; Schwannomatosis-2, susceptibility to. Identifiers: Orphanet 93921, MedGen C3810283, MONDO:0014299, OMIM 615670.

Allele frequency attached by ClinVar (database versions not stated): gnomAD exomes below 0.00001; TOPMed 0.00001.
gnomAD v4.1: 2 of 1,613,566 alleles (0.00012%); highest among the groups gnomAD compares: African/African-American, 0.0013%; no homozygotes.

Submissions (2):

Labcorp Genetics (formerly Invitae), Labcorp
Classification: Pathogenic. Last evaluated: 2025-09-24. Review status: criteria provided, single submitter. Criteria: Invitae Variant Classification Sherloc (09022015). Collection method: clinical testing. Allele origin: germline.
Comment: This sequence change creates a premature translational stop signal (p.Tyr748*) in the LZTR1 gene. It is expected to result in an absent or disrupted protein product. Loss-of-function variants in LZTR1 are known to be pathogenic (PMID: 24362817, 25335493, 25480913, 25795793, 29469822, 30368668, 30442762, 30442766, 30481304, 30859559). This variant is not present in population databases (gnomAD no frequency). This variant has not been reported in the literature in individuals affected with LZTR1-related conditions. ClinVar contains an entry for this variant (Variation ID: 1409252). Algorithms developed to predict the effect of sequence changes on RNA splicing suggest that this variant may create or strengthen a splice site. For these reasons, this variant has been classified as Pathogenic.

Fulgent Genetics
Classification: Likely pathogenic for Noonan syndrome 2; LZTR1-related schwannomatosis; Noonan syndrome 10. Last evaluated: 2024-02-28. Review status: criteria provided, single submitter. Criteria: ACMG Guidelines, 2015. Collection method: clinical testing. Allele origin: germline.

Literature cited by the submitters: PubMed 24362817 (cited by Labcorp Genetics (formerly Invitae), Labcorp); PubMed 25335493 (cited by Labcorp Genetics (formerly Invitae), Labcorp); PubMed 25480913 (cited by Labcorp Genetics (formerly Invitae), Labcorp); PubMed 25795793 (cited by Labcorp Genetics (formerly Invitae), Labcorp); PubMed 29469822 (cited by Labcorp Genetics (formerly Invitae), Labcorp); PubMed 30368668 (cited by Labcorp Genetics (formerly Invitae), Labcorp); PubMed 30442762 (cited by Labcorp Genetics (formerly Invitae), Labcorp); PubMed 30442766 (cited by Labcorp Genetics (formerly Invitae), Labcorp); PubMed 30481304 (cited by Labcorp Genetics (formerly Invitae), Labcorp); PubMed 30859559 (cited by Labcorp Genetics (formerly Invitae), Labcorp).

NM_006767.4(LZTR1):c.2244C>G (p.Tyr748Ter)

Gene: LZTR1 (leucine zipper like post translational regulator 1; plus strand). Cytogenetic location: 22q11.21.
Variant type: single nucleotide variant.
Coding change: c.2244C>G on transcript NM_006767.4 (MANE Select); coding-DNA position 2244, C replaced by G.
Protein change: p.Tyr748Ter; replaces tyrosine 748 with a stop codon.
Molecular consequence: nonsense.
Genome position (GRCh38, 1-based): chr22:20,996,720, C>G. VCF-style: chr22-20996720-C-G. GRCh37 (hg19) VCF-style: chr22-21351009-C-G.
Other names: short protein forms Y748*.
Identifiers: ClinVar variation 1409252 (VCV001409252.7), dbSNP rs1682503990, ClinGen allele CA410780774.
Genomic context (GRCh38, chr22:20,996,720, plus strand): 5'-CAGCTTCCTTTAGTCAGCTCCTTAACCAGGCCCCAGCTACTTGTTTGCGGCCCCCTACTA[C>G]TACGGCTTCTACAACAACCGGCTGCAGGCGTACTGCAAGCAGAACCTGGAGATGAACGTG-3'